The following is an entry in ClinVar:

ClinVar aggregate classification (germline): Likely benign. Review status: criteria provided, multiple submitters, no conflicts (2 of 4 stars). 2 submissions from 2 submitters: Likely benign (2). Last evaluated 2025-12-28.

Allele frequency attached by ClinVar (database versions not stated): gnomAD exomes 0.00001 and 0.00002; ExAC 0.00007; TOPMed 0.00015; gnomAD 0.00018 and 0.00019; ESP Exome Variant Server 0.00031.
gnomAD v4.1: 41 of 1,613,918 alleles (0.0025%); highest among the groups gnomAD compares: African/African-American, 0.053%; no homozygotes.

Submissions (2):

Labcorp Genetics (formerly Invitae), Labcorp
Classification: Likely benign. Last evaluated: 2025-12-28. Review status: criteria provided, single submitter. Criteria: Invitae Variant Classification Sherloc (09022015). Collection method: clinical testing. Allele origin: germline.

CeGaT Center for Human Genetics Tuebingen
Classification: Likely benign. Last evaluated: 2023-11-01. Review status: criteria provided, single submitter. Criteria: CeGaT Center For Human Genetics Tuebingen Variant Classification Criteria Version 2. Collection method: clinical testing. Allele origin: germline. Affected: yes. Observed: 1 variant allele.
Comment: SCN3A: BP4

NM_006922.4(SCN3A):c.5458C>T (p.Leu1820=)

Gene: SCN3A (sodium voltage-gated channel alpha subunit 3; minus strand). Cytogenetic location: 2q24.3.
Variant type: single nucleotide variant.
Coding change: c.5458C>T on transcript NM_006922.4 (MANE Select); coding-DNA position 5458, C replaced by T.
Protein change: p.Leu1820=; no amino-acid change (leucine 1820 retained).
Molecular consequence: synonymous variant.
Genome position (GRCh38, 1-based): chr2:165,090,695, G>A on the plus strand (C>T on the coding strand, the complement: SCN3A is on the minus strand). VCF-style: chr2-165090695-G-A. GRCh37 (hg19) VCF-style: chr2-165947205-G-A.
Other names: c.5311C>T, p.Leu1771= (NM_001081676.2, NM_001081677.2).
Identifiers: ClinVar variation 1091669 (VCV001091669.31), dbSNP rs150299378, ClinGen allele CA1938401.